The following is an entry in ClinVar:

NM_001283009.2(RTEL1):c.164C>T (p.Thr55Ile)

Genes: RTEL1 (regulator of telomere elongation helicase 1; plus strand), RTEL1-TNFRSF6B (RTEL1-TNFRSF6B readthrough (NMD candidate); plus strand). Cytogenetic location: 20q13.33.
Variant type: single nucleotide variant.
Coding change: c.164C>T on transcript NM_001283009.2 (MANE Select); coding-DNA position 164, C replaced by T.
Protein change: p.Thr55Ile; replaces threonine 55 with isoleucine.
Molecular consequence: missense variant. On other transcripts: non-coding transcript variant (1), 5 prime UTR variant (1).
Genome position (GRCh38, 1-based): chr20:63,661,359, C>T. VCF-style: chr20-63661359-C-T. GRCh37 (hg19) VCF-style: chr20-62292712-C-T.
Other names: c.-506C>T (NM_001283010.1); c.164C>T, p.Thr55Ile (NM_016434.4, NM_032957.5); short protein forms T55I.
Identifiers: ClinVar variation 3948464 (VCV003948464.1).

ClinVar aggregate classification (germline): Uncertain significance (1 of 4 stars; one submission).

Conditions:
Inborn genetic diseases. Identifiers: MedGen C0950123, MeSH D030342.

gnomAD v4.1: 10 of 1,613,404 alleles (0.00062%); highest among the groups gnomAD compares: African/African-American, 0.013%; no homozygotes.

Submission:

Ambry Genetics
Classification: Uncertain significance for Inborn genetic diseases. Last evaluated: 2025-06-07. Review status: criteria provided, single submitter. Criteria: Ambry Variant Classification Scheme 2023. Collection method: clinical testing. Allele origin: germline.
Comment: The p.T55I variant (also known as c.164C>T), located in coding exon 2 of the RTEL1 gene, results from a C to T substitution at nucleotide position 164. The threonine at codon 55 is replaced by isoleucine, an amino acid with similar properties. This amino acid position is conserved. In addition, this alteration is predicted to be tolerated by in silico analysis. Based on the available evidence, the clinical significance of this variant remains unclear.